The following is an entry in ClinVar:

NM_138576.4(BCL11B):c.1381G>A (p.Asp461Asn)

Gene: BCL11B (BCL11 transcription factor B; minus strand). Cytogenetic location: 14q32.2.
Variant type: single nucleotide variant.
Coding change: c.1381G>A on transcript NM_138576.4 (MANE Select); coding-DNA position 1381, G replaced by A.
Protein change: p.Asp461Asn; replaces aspartic acid 461 with asparagine.
Molecular consequence: missense variant.
Genome position (GRCh38, 1-based): chr14:99,175,455, C>T on the plus strand (G>A on the coding strand, the complement: BCL11B is on the minus strand). VCF-style: chr14-99175455-C-T. GRCh37 (hg19) VCF-style: chr14-99641792-C-T.
Other names: c.1378G>A, p.Asp460Asn (NM_001282237.2); c.1165G>A, p.Asp389Asn (NM_001282238.2); c.1168G>A, p.Asp390Asn (NM_022898.3); short protein forms D389N, D390N, D461N, D460N.
Identifiers: ClinVar variation 1381791 (VCV001381791.6), dbSNP rs776120841, ClinGen allele CA7339678.

ClinVar aggregate classification (germline): Uncertain significance (1 of 4 stars; one submission).

Allele frequency attached by ClinVar (database versions not stated): gnomAD exomes below 0.00001 and 0.00001; ExAC 0.00001.

Submission:

Labcorp Genetics (formerly Invitae), Labcorp
Classification: Uncertain significance. Last evaluated: 2021-09-18. Review status: criteria provided, single submitter. Criteria: Invitae Variant Classification Sherloc (09022015). Collection method: clinical testing. Allele origin: germline.
Comment: In summary, the available evidence is currently insufficient to determine the role of this variant in disease. Therefore, it has been classified as a Variant of Uncertain Significance. Algorithms developed to predict the effect of missense changes on protein structure and function are either unavailable or do not agree on the potential impact of this missense change (SIFT: "Tolerated"; PolyPhen-2: "Possibly Damaging"; Align-GVGD: "Class C0"). This variant has not been reported in the literature in individuals affected with BCL11B-related conditions. This variant is present in population databases (rs776120841, ExAC 0.01%). This sequence change replaces aspartic acid with asparagine at codon 461 of the BCL11B protein (p.Asp461Asn). The aspartic acid residue is highly conserved and there is a small physicochemical difference between aspartic acid and asparagine.